The following is an entry in ClinVar:

NM_014363.6(SACS):c.3806_3809del (p.Ser1269fs)

Gene: SACS (sacsin molecular chaperone; minus strand). Cytogenetic location: 13q12.12.
Variant type: Deletion.
Coding change: c.3806_3809del on transcript NM_014363.6 (MANE Select); coding-DNA positions 3806 to 3809, 4 bases deleted (CTTT; older notation c.3806_3809delCTTT).
Protein change: p.Ser1269fs; shifts the reading frame from serine 1269.
Molecular consequence: frameshift variant.
Genome position (GRCh38, 1-based): chr13:23,340,067-23,340,070, AAAG deleted on the plus strand (CTTT on the coding strand, the reverse complement: SACS is on the minus strand); deleting any 4 consecutive bases within chr13:23,340,067-23,340,072 gives the same sequence; the c. name uses the placement nearest the transcript's 3' end. VCF-style (leftmost placement, unchanged base first): chr13-23340066-AAAAG-A. GRCh37 (hg19) VCF-style: chr13-23914205-AAAAG-A.
Other names: c.3365_3368del, p.Ser1122fs (NM_001278055.2); short protein forms S1122fs, S1269fs.
Identifiers: ClinVar variation 2643676 (VCV002643676.24), dbSNP rs2542290302, ClinGen allele CA2695199236.
Genomic context (GRCh38, chr13:23,340,066, plus strand): 5'-AGCCTGGGCAAGTGGACAAAACTTTTTGCCAGTCCAAACCCATGGAAATTTTAAGGCTCT[AAAAG>A]AATCTTTCCCTTCATTTAGATGATCATGCATGAATCCGTAAATCTCAAGCAAAATATGCT-3'

ClinVar aggregate classification (germline): Likely pathogenic (1 of 4 stars; one submission).

Submission:

CeGaT Center for Human Genetics Tuebingen
Classification: Likely pathogenic. Last evaluated: 2023-10-01. Review status: criteria provided, single submitter. Criteria: CeGaT Center For Human Genetics Tuebingen Variant Classification Criteria Version 2. Collection method: clinical testing. Allele origin: germline. Affected: yes. Observed: 1 variant allele.
Comment: SACS: PVS1:Strong, PM2